The following is an entry in ClinVar:

NM_006904.7(PRKDC):c.3693G>T (p.Gln1231His)

Gene: PRKDC (protein kinase, DNA-activated, catalytic subunit; minus strand). Cytogenetic location: 8q11.21.
Variant type: single nucleotide variant.
Coding change: c.3693G>T on transcript NM_006904.7 (MANE Select); coding-DNA position 3693, G replaced by T.
Protein change: p.Gln1231His; replaces glutamine 1231 with histidine.
Molecular consequence: missense variant.
Genome position (GRCh38, 1-based): chr8:47,893,293, C>A on the plus strand (G>T on the coding strand, the complement: PRKDC is on the minus strand). VCF-style: chr8-47893293-C-A. GRCh37 (hg19) VCF-style: chr8-48805853-C-A.
Other names: c.3693G>T, p.Gln1231His (NM_001081640.2); short protein forms Q1231H.
Identifiers: ClinVar variation 1405459 (VCV001405459.5), dbSNP rs1227700132, ClinGen allele CA371150718.

ClinVar aggregate classification (germline): Uncertain significance. Review status: criteria provided, multiple submitters, no conflicts (2 of 4 stars). 2 submissions from 2 submitters: Uncertain significance (2). Last evaluated 2021-12-25.

Conditions:
Severe combined immunodeficiency due to DNA-PKcs deficiency. Also called: IMMUNODEFICIENCY 26 WITH NEUROLOGIC ABNORMALITIES; Immunodeficiency 26 with or without neurologic abnormalities. Identifiers: Orphanet 317425, MedGen C4014833, MONDO:0014423, OMIM 615966.

Allele frequency attached by ClinVar (database versions not stated): gnomAD exomes 0.00001; gnomAD 0.00002; TOPMed 0.00002.
gnomAD v4.1: 11 of 1,609,782 alleles (0.00068%); highest among the groups gnomAD compares: Middle Eastern, 0.016%; no homozygotes.

Submissions (2):

Ambry Genetics
Classification: Uncertain significance. Last evaluated: 2021-12-25. Review status: criteria provided, single submitter. Criteria: Ambry Variant Classification Scheme 2023. Collection method: clinical testing. Allele origin: germline.
Comment: The p.Q1231H variant (also known as c.3693G>T), located in coding exon 31 of the PRKDC gene, results from a G to T substitution at nucleotide position 3693. The glutamine at codon 1231 is replaced by histidine, an amino acid with highly similar properties. This amino acid position is conserved. In addition, this alteration is predicted to be tolerated by in silico analysis. Since supporting evidence is limited at this time, the clinical significance of this alteration remains unclear.

Labcorp Genetics (formerly Invitae), Labcorp
Classification: Uncertain significance for Severe combined immunodeficiency due to DNA-PKcs deficiency. Last evaluated: 2021-10-14. Review status: criteria provided, single submitter. Criteria: Invitae Variant Classification Sherloc (09022015). Collection method: clinical testing. Allele origin: germline.
Comment: This sequence change replaces glutamine with histidine at codon 1231 of the PRKDC protein (p.Gln1231His). The glutamine residue is weakly conserved and there is a small physicochemical difference between glutamine and histidine. This variant is not present in population databases (ExAC no frequency). This variant has not been reported in the literature in individuals affected with PRKDC-related conditions. Experimental studies and prediction algorithms are not available or were not evaluated, and the functional significance of this variant is currently unknown. In summary, the available evidence is currently insufficient to determine the role of this variant in disease. Therefore, it has been classified as a Variant of Uncertain Significance.